The following is an entry in ClinVar:

ClinVar aggregate classification (germline): Likely pathogenic (1 of 4 stars; one submission).

Conditions:
Neuronal ceroid lipofuscinosis. Also called: Neuronal Ceroid Lipofuscinoses. Identifiers: Orphanet 216, Orphanet 79263, MedGen C0027877, MONDO:0016295. Disease mechanism: loss of function.

Submission:

Natera, Inc.
Classification: Likely pathogenic for Neuronal ceroid lipofuscinosis. Last evaluated: 2025-01-23. Review status: criteria provided, single submitter. Criteria: Natera Variant Classification Schema (03/2026). Collection method: clinical testing. Allele origin: germline.
Comment: The c.260_261delinsATCCGGGCTGGTC variant in CLN5 is a frameshift variant predicted to shift the reading frame beginning at codon 87 and leads to a stop codon 80 codons downstream. This variant is expected to result in nonsense mediated decay, truncation, or a dysfunctional protein product. This variant is rare in the general population with a frequency below the threshold expected for the associated phenotype(s). Given the available evidence, this variant is classified as Likely Pathogenic.

NM_006493.4(CLN5):c.113_114delinsATCCGGGCTGGTC (p.Val38fs)

Genes: CLN5 (CLN5 lysosomal BMP synthase; plus strand), LOC130009913 (ATAC-STARR-seq lymphoblastoid silent region 5414; plus strand). Cytogenetic location: 13q22.3.
Variant type: Indel.
Coding change: c.113_114delinsATCCGGGCTGGTC on transcript NM_006493.4 (MANE Select); coding-DNA positions 113 to 114, TT replaced by ATCCGGGCTGGTC.
Protein change: p.Val38fs; shifts the reading frame from valine 38.
Molecular consequence: frameshift variant.
Genome position (GRCh38, 1-based): chr13:76,992,211-76,992,212, TT replaced by ATCCGGGCTGGTC. VCF-style: chr13-76992211-TT-ATCCGGGCTGGTC. GRCh37 (hg19) VCF-style: chr13-77566346-TT-ATCCGGGCTGGTC.
Other names: c.113_114delinsATCCGGGCTGGTC, p.Val38fs (NM_001366624.2); c.260_261delTTinsATCCGGGCTGGTC, p.Val87Aspfs (NM_006493.2); short protein forms V38fs.
Identifiers: ClinVar variation 4815508 (VCV004815508.1).
Genomic context (GRCh38, chr13:76,992,211, plus strand): 5'-GCGCGGCTCGGGGACGCGCTTCCTGGTGCTGGGCCCTGGCGCTGCTTTGGCTCGCGGTGG[TT>ATCCGGGCTGGTC]CCGGGCTGGTCCCGGGTCTCGGGCATCCCCTCCCGGCGCCACTGGCCGGTGCCCTACAAG-3'